The following is an entry in ClinVar:

ClinVar aggregate classification (germline): Likely benign. Review status: criteria provided, multiple submitters, no conflicts (2 of 4 stars). 4 submissions from 4 submitters: Likely benign (4). Last evaluated 2025-12-16.

Conditions:
TTN-related disorder. Also called: TTN-related disorders; TTN-related condition; TTN-related disease.
Autosomal recessive limb-girdle muscular dystrophy type 2J (LGMDR10). Also called: Limb-girdle muscular dystrophy, type 2J; MUSCULAR DYSTROPHY, LIMB-GIRDLE, AUTOSOMAL RECESSIVE 10. Identifiers: Orphanet 140922, MedGen C1837342, MONDO:0012127, OMIM 608807.
Dilated cardiomyopathy 1G (CMD1G). Identifiers: Orphanet 154, MedGen C1858763, MONDO:0011400, OMIM 604145.

Submissions (4):

Labcorp Genetics (formerly Invitae), Labcorp
Classification: Likely benign for Dilated cardiomyopathy 1G; Autosomal recessive limb-girdle muscular dystrophy type 2J. Last evaluated: 2025-12-16. Review status: criteria provided, single submitter. Criteria: Invitae Variant Classification Sherloc (09022015). Collection method: clinical testing. Allele origin: germline.

PreventionGenetics, part of Exact Sciences
Classification: Likely benign for TTN-related condition. Last evaluated: 2025-05-02. Review status: criteria provided, single submitter. Criteria: ACMG Guidelines, 2015. Collection method: clinical testing. Allele origin: germline.
Comment: This variant is classified as likely benign based on ACMG/AMP sequence variant interpretation guidelines (Richards et al. 2015 PMID: 25741868, with internal and published modifications).

Women's Health and Genetics/Laboratory Corporation of America, LabCorp
Classification: Likely benign. Last evaluated: 2025-01-06. Review status: criteria provided, single submitter. Criteria: LabCorp Variant Classification Summary - May 2015. Collection method: clinical testing. Allele origin: germline.
Comment: Variant summary: TTN c.58457-12_58457-9delCAAT alters a nucleotide located at a position not widely known to affect splicing. Consensus agreement among computation tools predict no significant impact on normal splicing. However, these predictions have yet to be confirmed by functional studies. The variant allele was found at a frequency of 7.7e-05 in 220002 control chromosomes. This frequency is not significantly higher than estimated for a pathogenic variant in TTN causing Dilated Cardiomyopathy (7.7e-05 vs 0.00039), allowing no conclusion about variant significance. To our knowledge, no occurrence of c.58457-12_58457-9delCAAT in individuals affected with Dilated Cardiomyopathy and no experimental evidence demonstrating its impact on protein function have been reported. ClinVar contains an entry for this variant (Variation ID: 413199). Based on the evidence outlined above, the variant was classified as likely benign.

GeneDx
Classification: Likely benign. Last evaluated: 2018-05-29. Review status: criteria provided, single submitter. Criteria: GeneDx Variant Classification Process June 2021. Collection method: clinical testing. Allele origin: germline. Affected: yes.

NM_001267550.2(TTN):c.66161-12_66161-9del

Genes: TTN (titin; minus strand), TTN-AS1 (TTN antisense RNA 1; plus strand). Cytogenetic location: 2q31.2.
Variant type: Microsatellite.
Coding change: c.66161-12_66161-9del on transcript NM_001267550.2 (MANE Select); 12 bases into the intron before coding-DNA position 66161 through 9 bases into the intron before coding-DNA position 66161, 4 bases deleted (CAAT; older notation c.66161-12_66161-9delCAAT).
Molecular consequence: intron variant.
Genome position (GRCh38, 1-based): chr2:178,582,217-178,582,220, ATTG deleted on the plus strand (CAAT on the coding strand, the reverse complement: TTN is on the minus strand); deleting any 4 consecutive bases within chr2:178,582,217-178,582,225 gives the same sequence; the c. name uses the placement nearest the transcript's 3' end. VCF-style (leftmost placement, unchanged base first): chr2-178582216-AATTG-A. GRCh37 (hg19) VCF-style: chr2-179446943-AATTG-A.
Other names: c.58457-12_58457-9delCAAT (NM_133378.4); c.66161-12_66161-9delCAAT (NM_001267550.2); c.61238-12_61238-9delCAAT (NM_001256850.1); c.38966-12_38966-9del (NM_003319.4); c.39542-12_39542-9del (NM_133437.4); c.39341-12_39341-9del (NM_133432.3); c.58457-12_58457-9del (NM_133378.4); c.61238-12_61238-9del (NM_001256850.1).
Identifiers: ClinVar variation 413199 (VCV000413199.18), dbSNP rs758125069, ClinGen allele CA1991557.